The following is an entry in ClinVar:

NM_001256071.3(RNF213):c.6854G>C (p.Arg2285Thr)

Gene: RNF213 (ring finger protein 213; plus strand). Cytogenetic location: 17q25.3.
Variant type: single nucleotide variant.
Coding change: c.6854G>C on transcript NM_001256071.3 (MANE Select); coding-DNA position 6854, G replaced by C.
Protein change: p.Arg2285Thr; replaces arginine 2285 with threonine.
Molecular consequence: missense variant.
Genome position (GRCh38, 1-based): chr17:80,345,189, G>C. VCF-style: chr17-80345189-G-C. GRCh37 (hg19) VCF-style: chr17-78318989-G-C.
Other names: p.Arg2285Thr; short protein forms R2285T.
Identifiers: ClinVar variation 737276 (VCV000737276.4), dbSNP rs74792814, ClinGen allele CA8820623.

ClinVar aggregate classification (germline): Conflicting classifications of pathogenicity. Review status: criteria provided, conflicting classifications (1 of 4 stars). 2 submissions from 2 submitters: Uncertain significance (1); Likely benign (1). Last evaluated 2025-03-31.

Allele frequency attached by ClinVar (database versions not stated): ExAC 0.00030; gnomAD 0.00084 and 0.00082; 1000 Genomes Project 0.00140; TOPMed 0.00095; ESP Exome Variant Server 0.00138; 1000 Genomes Project 30x 0.00156.
gnomAD v4.1: 224 of 1,614,126 alleles (0.014%); highest among the groups gnomAD compares: African/African-American, 0.29%; no homozygotes.

Submissions (2):

Mayo Clinic Laboratories, Mayo Clinic
Classification: Uncertain significance. Last evaluated: 2025-03-31. Review status: criteria provided, single submitter. Criteria: ACMG Guidelines, 2015. Collection method: clinical testing. Allele origin: germline. Observed: 1 variant allele.
Comment: BP4_moderate

Labcorp Genetics (formerly Invitae), Labcorp
Classification: Likely benign. Last evaluated: 2018-06-26. Review status: criteria provided, single submitter. Criteria: Invitae Variant Classification Sherloc (09022015). Collection method: clinical testing. Allele origin: germline.